The following is an entry in ClinVar:

ClinVar aggregate classification (germline): Uncertain significance (1 of 4 stars; one submission).

Conditions:
Autosomal dominant Parkinson disease 8. Also called: Parkinson disease 8, susceptibility to; LRRK2-Related Parkinson Disease; Parkinson disease 8. Identifiers: Orphanet 411602, MedGen C1846862, MONDO:0011764, OMIM 607060.

Allele frequency attached by ClinVar (database versions not stated): gnomAD exomes 0.00001; ExAC 0.00003; gnomAD 0.00003; TOPMed 0.00004; 1000 Genomes Project 30x 0.00016; 1000 Genomes Project 0.00020.
gnomAD v4.1: 20 of 1,614,070 alleles (0.0012%); highest among the groups gnomAD compares: East Asian, 0.042%; no homozygotes.

Submission:

Labcorp Genetics (formerly Invitae), Labcorp
Classification: Uncertain significance for Autosomal dominant Parkinson disease 8. Last evaluated: 2023-09-06. Review status: criteria provided, single submitter. Criteria: Invitae Variant Classification Sherloc (09022015). Collection method: clinical testing. Allele origin: germline.
Comment: In summary, the available evidence is currently insufficient to determine the role of this variant in disease. Therefore, it has been classified as a Variant of Uncertain Significance. Advanced modeling of protein sequence and biophysical properties (such as structural, functional, and spatial information, amino acid conservation, physicochemical variation, residue mobility, and thermodynamic stability) has been performed at Invitae for this missense variant, however the output from this modeling did not meet the statistical confidence thresholds required to predict the impact of this variant on LRRK2 protein function. This missense change has been observed in individual(s) with early-onset Parkinson disease (PMID: 24565865, 30598256, 32677286). This variant is present in population databases (rs544929315, gnomAD 0.07%), and has an allele count higher than expected for a pathogenic variant. This sequence change replaces isoleucine, which is neutral and non-polar, with phenylalanine, which is neutral and non-polar, at codon 786 of the LRRK2 protein (p.Ile786Phe).

Literature cited by the submitters: PubMed 24565865; PubMed 30598256; PubMed 32677286.

NM_198578.4(LRRK2):c.2356A>T (p.Ile786Phe)

Gene: LRRK2 (leucine rich repeat kinase 2; plus strand). Cytogenetic location: 12q12.
Variant type: single nucleotide variant.
Coding change: c.2356A>T on transcript NM_198578.4 (MANE Select); coding-DNA position 2356, A replaced by T.
Protein change: p.Ile786Phe; replaces isoleucine 786 with phenylalanine.
Molecular consequence: missense variant.
Genome position (GRCh38, 1-based): chr12:40,283,989, A>T. VCF-style: chr12-40283989-A-T. GRCh37 (hg19) VCF-style: chr12-40677791-A-T.
Other names: short protein forms I786F.
Identifiers: ClinVar variation 2995256 (VCV002995256.3), dbSNP rs544929315, ClinGen allele CA6513622.